The following is an entry in ClinVar:

ClinVar aggregate classification (germline): Uncertain significance. Review status: criteria provided, multiple submitters, no conflicts (2 of 4 stars). 2 submissions from 2 submitters: Uncertain significance (2). Last evaluated 2025-05-20.

Conditions:
Hypercholesterolemia, autosomal dominant, 3 (FHCL3). Also called: PCSK9-Related Familial Hypercholesterolemia, Autosomal Dominant; Familial Hypercholesterolemia, Autosomal Dominant, 3; Familial hypercholesterolemia 3. Identifiers: MedGen C1863551, MONDO:0011369, OMIM 603776.

Allele frequency attached by ClinVar (database versions not stated): gnomAD exomes below 0.00001; ExAC 0.00003.
gnomAD v4.1: 4 of 1,602,880 alleles (0.00025%); highest among the groups gnomAD compares: Non-Finnish European, 0.00017%; no homozygotes.

Submissions (2):

Labcorp Genetics (formerly Invitae), Labcorp
Classification: Uncertain significance for Hypercholesterolemia, autosomal dominant, 3. Last evaluated: 2025-05-20. Review status: criteria provided, single submitter. Criteria: Invitae Variant Classification Sherloc (09022015). Collection method: clinical testing. Allele origin: germline.
Comment: This sequence change replaces glutamic acid, which is acidic and polar, with glycine, which is neutral and non-polar, at codon 612 of the PCSK9 protein (p.Glu612Gly). The frequency data for this variant in the population databases is considered unreliable, as metrics indicate poor data quality at this position in the gnomAD database. This variant has not been reported in the literature in individuals affected with PCSK9-related conditions. ClinVar contains an entry for this variant (Variation ID: 3069841). Invitae Evidence Modeling of protein sequence and biophysical properties (such as structural, functional, and spatial information, amino acid conservation, physicochemical variation, residue mobility, and thermodynamic stability) indicates that this missense variant is not expected to disrupt PCSK9 protein function with a negative predictive value of 80%. Algorithms developed to predict the effect of sequence changes on RNA splicing suggest that this variant may disrupt the consensus splice site. In summary, the available evidence is currently insufficient to determine the role of this variant in disease. Therefore, it has been classified as a Variant of Uncertain Significance.

All of Us Research Program, National Institutes of Health
Classification: Uncertain significance for Hypercholesterolemia, autosomal dominant, 3. Last evaluated: 2023-03-09. Review status: criteria provided, single submitter. Criteria: ACMG Guidelines, 2015. Collection method: clinical testing. Allele origin: germline. Inheritance: Autosomal dominant inheritance. Observed: 1 variant allele, 1 heterozygote.
Comment: This missense variant replaces glutamic acid with glycine at codon 612 of the PCSK9 protein. Computational prediction suggests that this variant may not impact protein structure and function (internally defined REVEL score threshold <= 0.5, PMID: 27666373). To our knowledge, functional studies have not been reported for this variant. This variant has not been reported in individuals affected with PCSK9-related disorders in the literature. This variant has been identified in 2/228214 chromosomes in the general population by the Genome Aggregation Database (gnomAD). The available evidence is insufficient to determine the role of this variant in disease conclusively. Therefore, this variant is classified as a Variant of Uncertain Significance.

This study involves interpretation of variants in research participants for the purpose of population health screening. Participant phenotype was not available at the time of variant classification. Additional details can be found in publication PMID: 35346344, PMCID: PMC8962531

NM_174936.4(PCSK9):c.1835A>G (p.Glu612Gly)

Gene: PCSK9 (proprotein convertase subtilisin/kexin type 9; plus strand). Cytogenetic location: 1p32.3.
Variant type: single nucleotide variant.
Coding change: c.1835A>G on transcript NM_174936.4 (MANE Select); coding-DNA position 1835, A replaced by G.
Protein change: p.Glu612Gly; replaces glutamic acid 612 with glycine.
Molecular consequence: missense variant. On other transcripts: non-coding transcript variant (8).
Genome position (GRCh38, 1-based): chr1:55,061,528, A>G. VCF-style: chr1-55061528-A-G. GRCh37 (hg19) VCF-style: chr1-55527201-A-G.
Other names: c.1958A>G, p.Glu653Gly (NM_001407240.1); c.1877A>G, p.Glu626Gly (NM_001407241.1); c.1838A>G, p.Glu613Gly (NM_001407242.1); c.1778A>G, p.Glu593Gly (NM_001407243.1); c.1661A>G, p.Glu554Gly (NM_001407244.1); c.1643A>G, p.Glu548Gly (NM_001407245.1); c.1460A>G, p.Glu487Gly (NM_001407246.1); c.1334A>G, p.Glu445Gly (NM_001407247.1); short protein forms E445G, E487G, E548G, E554G, E593G, E612G, E613G, E626G.
Identifiers: ClinVar variation 3069841 (VCV003069841.2), dbSNP rs753062243, ClinGen allele CA038985.